The following is an entry in ClinVar:

ClinVar aggregate classification (germline): Likely pathogenic (1 of 4 stars; one submission).

gnomAD v4.1: 1 of 1,613,578 alleles (0.000062%); highest among the groups gnomAD compares: Non-Finnish European, 0.000085%; no homozygotes.

Submission:

Labcorp Genetics (formerly Invitae), Labcorp
Classification: Likely pathogenic. Last evaluated: 2024-07-19. Review status: criteria provided, single submitter. Criteria: Invitae Variant Classification Sherloc (09022015). Collection method: clinical testing. Allele origin: germline.
Comment: This sequence change affects an acceptor splice site in intron 8 of the POGLUT1 gene. RNA analysis indicates that disruption of this splice site induces altered splicing and likely results in a shortened protein product. This variant is not present in population databases (gnomAD no frequency). Disruption of this splice site has been observed in individuals with autosomal dominant Dowling-Degos disease (PMID: 24387993). Studies have shown that disruption of this splice site results in skipping of exon 9, but is expected to preserve the integrity of the reading-frame (PMID: 24387993). In summary, the currently available evidence indicates that the variant is pathogenic, but additional data are needed to prove that conclusively. Therefore, this variant has been classified as Likely Pathogenic.

Literature cited by the submitters: PubMed 24387993.

NM_152305.3(POGLUT1):c.798-2A>G

Gene: POGLUT1 (protein O-glucosyltransferase 1; plus strand). Cytogenetic location: 3q13.33.
Variant type: single nucleotide variant.
Coding change: c.798-2A>G on transcript NM_152305.3 (MANE Select); the canonical splice acceptor site of the intron before coding-DNA position 798, A replaced by G.
Molecular consequence: splice acceptor variant.
Genome position (GRCh38, 1-based): chr3:119,490,549, A>G. VCF-style: chr3-119490549-A-G. GRCh37 (hg19) VCF-style: chr3-119209396-A-G.
Identifiers: ClinVar variation 3659972 (VCV003659972.2).